The following is an entry in ClinVar:

ClinVar aggregate classification (germline): Uncertain significance. Review status: criteria provided, multiple submitters, no conflicts (2 of 4 stars). 2 submissions from 2 submitters: Uncertain significance (2). Last evaluated 2025-06-30.

Conditions:
Inborn genetic diseases. Identifiers: MedGen C0950123, MeSH D030342.

Allele frequency attached by ClinVar (database versions not stated): gnomAD exomes below 0.00001; TOPMed 0.00003; gnomAD 0.00005.
gnomAD v4.1: 12 of 1,613,872 alleles (0.00074%); highest among the groups gnomAD compares: African/African-American, 0.011%; no homozygotes.

Submissions (2):

Ambry Genetics
Classification: Uncertain significance for Inborn genetic diseases. Last evaluated: 2025-06-30. Review status: criteria provided, single submitter. Criteria: Ambry Variant Classification Scheme 2023. Collection method: clinical testing. Allele origin: germline.

Labcorp Genetics (formerly Invitae), Labcorp
Classification: Uncertain significance. Last evaluated: 2024-08-05. Review status: criteria provided, single submitter. Criteria: Invitae Variant Classification Sherloc (09022015). Collection method: clinical testing. Allele origin: germline.
Comment: This sequence change replaces methionine, which is neutral and non-polar, with valine, which is neutral and non-polar, at codon 849 of the MYO5B protein (p.Met849Val). This variant is present in population databases (no rsID available, gnomAD 0.01%). This variant has not been reported in the literature in individuals affected with MYO5B-related conditions. ClinVar contains an entry for this variant (Variation ID: 1381952). Advanced modeling of protein sequence and biophysical properties (such as structural, functional, and spatial information, amino acid conservation, physicochemical variation, residue mobility, and thermodynamic stability) performed at Invitae indicates that this missense variant is not expected to disrupt MYO5B protein function with a negative predictive value of 80%. In summary, the available evidence is currently insufficient to determine the role of this variant in disease. Therefore, it has been classified as a Variant of Uncertain Significance.

NM_001080467.3(MYO5B):c.2545A>G (p.Met849Val)

Gene: MYO5B (myosin VB; minus strand). Cytogenetic location: 18q21.1.
Variant type: single nucleotide variant.
Coding change: c.2545A>G on transcript NM_001080467.3 (MANE Select); coding-DNA position 2545, A replaced by G.
Protein change: p.Met849Val; replaces methionine 849 with valine.
Molecular consequence: missense variant.
Genome position (GRCh38, 1-based): chr18:49,904,698, T>C on the plus strand (A>G on the coding strand, the complement: MYO5B is on the minus strand). VCF-style: chr18-49904698-T-C. GRCh37 (hg19) VCF-style: chr18-47431068-T-C.
Other names: c.2545A>G (NM_001080467.2); short protein forms M849V.
Identifiers: ClinVar variation 1381952 (VCV001381952.7), dbSNP rs925253139, ClinGen allele CA299980924.